The following is an entry in ClinVar:

ClinVar aggregate classification (germline): Uncertain significance. Review status: criteria provided, multiple submitters, no conflicts (2 of 4 stars). 3 submissions from 3 submitters: Uncertain significance (3). Last evaluated 2024-01-18.

Conditions:
Familial thoracic aortic aneurysm and aortic dissection (TAAD). Also called: Thoracic aortic aneurysms and dissections. Identifiers: Orphanet 91387, MedGen C4707243, MONDO:0019625.
Aortic aneurysm, familial thoracic 4 (AAT4). Also called: AORTIC ANEURYSM/AORTIC DISSECTION AND PATENT DUCTUS ARTERIOSUS. Identifiers: MedGen C1851504, MONDO:0007568, OMIM 132900.

Submissions (3):

GeneDx
Classification: Uncertain significance. Last evaluated: 2024-01-18. Review status: criteria provided, single submitter. Criteria: GeneDx Variant Classification Process June 2021. Collection method: clinical testing. Allele origin: germline. Affected: yes.
Comment: Has not been previously published as pathogenic or benign to our knowledge; Not observed at significant frequency in large population cohorts (gnomAD); In silico analysis supports that this missense variant does not alter protein structure/function

Color Diagnostics, LLC DBA Color Health
Classification: Uncertain significance for Familial thoracic aortic aneurysm and aortic dissection. Last evaluated: 2023-02-15. Review status: criteria provided, single submitter. Criteria: ACMG Guidelines, 2015. Collection method: clinical testing. Allele origin: germline.
Comment: This missense variant replaces glutamine with glutamic acid at codon 1379 of the MYH11 protein. Computational prediction is inconclusive regarding the impact of this variant on protein structure and function (internally defined REVEL score threshold 0.5 < inconclusive < 0.7, PMID: 27666373). To our knowledge, functional studies have not been reported for this variant. This variant has not been reported in individuals affected with MYH11-related disorders in the literature. This variant has not been identified in the general population by the Genome Aggregation Database (gnomAD). The available evidence is insufficient to determine the role of this variant in disease conclusively. Therefore, this variant is classified as a Variant of Uncertain Significance.

Labcorp Genetics (formerly Invitae), Labcorp
Classification: Uncertain significance for Aortic aneurysm, familial thoracic 4. Last evaluated: 2022-02-23. Review status: criteria provided, single submitter. Criteria: Invitae Variant Classification Sherloc (09022015). Collection method: clinical testing. Allele origin: germline.
Comment: In summary, the available evidence is currently insufficient to determine the role of this variant in disease. Therefore, it has been classified as a Variant of Uncertain Significance. Algorithms developed to predict the effect of missense changes on protein structure and function (SIFT, PolyPhen-2, Align-GVGD) all suggest that this variant is likely to be disruptive. This variant has not been reported in the literature in individuals affected with MYH11-related conditions. This variant is not present in population databases (gnomAD no frequency). This sequence change replaces glutamine, which is neutral and polar, with glutamic acid, which is acidic and polar, at codon 1379 of the MYH11 protein (p.Gln1379Glu).

NM_002474.3(MYH11):c.4114C>G (p.Gln1372Glu)

Genes: MYH11 (myosin heavy chain 11; minus strand), NDE1 (nudE neurodevelopment protein 1; plus strand). Cytogenetic location: 16p13.11.
Variant type: single nucleotide variant.
Coding change: c.4114C>G on transcript NM_002474.3 (MANE Select); coding-DNA position 4114, C replaced by G.
Protein change: p.Gln1372Glu; replaces glutamine 1372 with glutamic acid.
Molecular consequence: missense variant. On other transcripts: 3 prime UTR variant (2).
Genome position (GRCh38, 1-based): chr16:15,724,649, G>C on the plus strand (C>G on the coding strand, the complement: MYH11 is on the minus strand). VCF-style: chr16-15724649-G-C. GRCh37 (hg19) VCF-style: chr16-15818506-G-C.
Other names: c.4135C>G, p.Gln1379Glu (NM_001040113.2, NM_001040114.2); c.4114C>G, p.Gln1372Glu (NM_022844.3); c.*398G>C (NM_001143979.2, NM_017668.3); c.4114C>G (NM_002474.2); short protein forms Q1379E, Q1372E.
Identifiers: ClinVar variation 1974437 (VCV001974437.8), dbSNP rs957879903, ClinGen allele CA394857648.